The following is an entry in ClinVar:

NM_002230.4(JUP):c.1995C>T (p.Ser665=)

Gene: JUP (junction plakoglobin; minus strand). Cytogenetic location: 17q21.2.
Variant type: single nucleotide variant.
Coding change: c.1995C>T on transcript NM_002230.4 (MANE Select); coding-DNA position 1995, C replaced by T.
Protein change: p.Ser665=; no amino-acid change (serine 665 retained).
Molecular consequence: synonymous variant.
Genome position (GRCh38, 1-based): chr17:41,757,466, G>A on the plus strand (C>T on the coding strand, the complement: JUP is on the minus strand). VCF-style: chr17-41757466-G-A. GRCh37 (hg19) VCF-style: chr17-39913718-G-A.
Other names: c.1995C>T, p.Ser665= (NM_001352773.2, NM_001352774.2, NM_001352775.2 and 3 more transcripts); c.1995C>T (NM_021991.2).
Identifiers: ClinVar variation 323164 (VCV000323164.17), dbSNP rs782094877, ClinGen allele CA8565053.

ClinVar aggregate classification (germline): Conflicting classifications of pathogenicity. Review status: criteria provided, conflicting classifications (1 of 4 stars). 5 submissions from 4 submitters: Uncertain significance (2); Likely benign (2). 1 of the submissions does not count toward it. Last evaluated 2026-01-12.

Conditions:
Cardiovascular phenotype. Identifiers: MedGen CN230736.
JUP-related disorder. Also called: JUP-related condition.
Naxos disease (NXD). Also called: KERATOSIS PALMOPLANTARIS WITH ARRHYTHMOGENIC CARDIOMYOPATHY; MAL DE NAXOS; PALMOPLANTAR KERATODERMA WITH ARRHYTHMOGENIC RIGHT VENTRICULAR CARDIOMYOPATHY AND WOOLLY HAIR; WOOLLY HAIR, PALMOPLANTAR KERATODERMA, AND CARDIAC ABNORMALITIES; CARDIOMYOPATHY, ARRHYTHMOGENIC RIGHT VENTRICULAR, WITH SKIN, HAIR, AND NAIL ABNORMALITIES. Identifiers: Orphanet 34217, MedGen C1832600, MONDO:0011017, OMIM 601214.
Arrhythmogenic right ventricular dysplasia 12. Also called: ARRHYTHMOGENIC RIGHT VENTRICULAR DYSPLASIA, FAMILIAL, 12. Identifiers: MedGen C1969081, MONDO:0012684, OMIM 611528.

Allele frequency attached by ClinVar (database versions not stated): gnomAD exomes 0.00001 and 0.00004; ExAC 0.00002; gnomAD 0.00003; TOPMed 0.00004.
gnomAD v4.1: 25 of 1,614,204 alleles (0.0015%); highest among the groups gnomAD compares: Middle Eastern, 0.099%; no homozygotes.

Submissions (5):

Labcorp Genetics (formerly Invitae), Labcorp
Classification: Likely benign for Arrhythmogenic right ventricular dysplasia 12; Naxos disease. Last evaluated: 2026-01-12. Review status: criteria provided, single submitter. Criteria: Invitae Variant Classification Sherloc (09022015). Collection method: clinical testing. Allele origin: germline.

Ambry Genetics
Classification: Likely benign for Cardiovascular phenotype. Last evaluated: 2021-03-10. Review status: criteria provided, single submitter. Criteria: Ambry Variant Classification Scheme 2023. Collection method: clinical testing. Allele origin: germline.

Illumina Laboratory Services, Illumina
Classification: Uncertain significance for Arrhythmogenic right ventricular dysplasia 12. Last evaluated: 2018-01-12. Review status: criteria provided, single submitter. Criteria: ICSL Variant Classification Criteria 13 December 2019. Collection method: clinical testing. Allele origin: germline.

Illumina Laboratory Services, Illumina
Classification: Uncertain significance for Naxos disease. Last evaluated: 2018-01-12. Review status: criteria provided, single submitter. Criteria: ICSL Variant Classification Criteria 13 December 2019. Collection method: clinical testing. Allele origin: germline.

PreventionGenetics, part of Exact Sciences
Classification: Likely benign for JUP-related condition. Last evaluated: 2019-07-12. Review status: no assertion criteria provided. Collection method: clinical testing. Allele origin: germline. Not counted in ClinVar's aggregate classification.
Comment: This variant is classified as likely benign based on ACMG/AMP sequence variant interpretation guidelines (Richards et al. 2015 PMID: 25741868, with internal and published modifications).